The following is an entry in ClinVar:

ClinVar aggregate classification (germline): Uncertain significance (1 of 4 stars; one submission).

Conditions:
Progressive familial heart block type IB (PFHB1B). Identifiers: Orphanet 871, MedGen C1970298, MONDO:0011474, OMIM 604559.

Allele frequency attached by ClinVar (database versions not stated): gnomAD 0.00001; gnomAD exomes 0.00001.
gnomAD v4.1: 8 of 1,611,968 alleles (0.0005%); highest among the groups gnomAD compares: Non-Finnish European, 0.00068%; no homozygotes.

Submission:

Labcorp Genetics (formerly Invitae), Labcorp
Classification: Uncertain significance for Progressive familial heart block type IB. Last evaluated: 2022-09-06. Review status: criteria provided, single submitter. Criteria: Invitae Variant Classification Sherloc (09022015). Collection method: clinical testing. Allele origin: germline.
Comment: This sequence change replaces lysine, which is basic and polar, with asparagine, which is neutral and polar, at codon 383 of the TRPM4 protein (p.Lys383Asn). The frequency data for this variant in the population databases is considered unreliable, as metrics indicate poor data quality at this position in the gnomAD database. This variant has not been reported in the literature in individuals affected with TRPM4-related conditions. Algorithms developed to predict the effect of missense changes on protein structure and function output the following: SIFT: "Tolerated"; PolyPhen-2: "Benign"; Align-GVGD: "Class C0". The asparagine amino acid residue is found in multiple mammalian species, which suggests that this missense change does not adversely affect protein function. In summary, the available evidence is currently insufficient to determine the role of this variant in disease. Therefore, it has been classified as a Variant of Uncertain Significance.

NM_017636.4(TRPM4):c.1149G>C (p.Lys383Asn)

Gene: TRPM4 (transient receptor potential cation channel subfamily M member 4; plus strand). Cytogenetic location: 19q13.33.
Variant type: single nucleotide variant.
Coding change: c.1149G>C on transcript NM_017636.4 (MANE Select); coding-DNA position 1149, G replaced by C.
Protein change: p.Lys383Asn; replaces lysine 383 with asparagine.
Molecular consequence: missense variant. On other transcripts: 5 prime UTR variant (1), intron variant (1).
Genome position (GRCh38, 1-based): chr19:49,172,107, G>C. VCF-style: chr19-49172107-G-C. GRCh37 (hg19) VCF-style: chr19-49675364-G-C.
Other names: c.1149G>C, p.Lys383Asn (NM_001195227.2); c.804G>C, p.Lys268Asn (NM_001321281.2); c.-405G>C (NM_001321282.2); c.627G>C, p.Lys209Asn (NM_001321283.2); c.201+338G>C (NM_001321285.2); short protein forms K383N, K209N, K268N.
Identifiers: ClinVar variation 2160260 (VCV002160260.4), dbSNP rs1227692169, ClinGen allele CA406795783.